The following is an entry in ClinVar:

NM_006158.5(NEFL):c.603G>T (p.Glu201Asp)

Gene: NEFL (neurofilament light chain; minus strand). Cytogenetic location: 8p21.2.
Variant type: single nucleotide variant.
Coding change: c.603G>T on transcript NM_006158.5 (MANE Select); coding-DNA position 603, G replaced by T.
Protein change: p.Glu201Asp; replaces glutamic acid 201 with aspartic acid.
Molecular consequence: missense variant.
Genome position (GRCh38, 1-based): chr8:24,955,913, C>A on the plus strand (G>T on the coding strand, the complement: NEFL is on the minus strand). VCF-style: chr8-24955913-C-A. GRCh37 (hg19) VCF-style: chr8-24813427-C-A.
Other names: short protein forms E201D.
Identifiers: ClinVar variation 1384044 (VCV001384044.6), dbSNP rs1217355732, ClinGen allele CA370622034.

ClinVar aggregate classification (germline): Uncertain significance (1 of 4 stars; one submission).

Conditions:
Charcot-Marie-Tooth disease type 2E (CMT2E). Also called: CHARCOT-MARIE-TOOTH DISEASE, AXONAL, TYPE 2E; CHARCOT-MARIE-TOOTH NEUROPATHY, TYPE 2E. Identifiers: Orphanet 99939, MedGen C1843225, MONDO:0011894, OMIM 607684.

Submission:

Labcorp Genetics (formerly Invitae), Labcorp
Classification: Uncertain significance for Charcot-Marie-Tooth disease type 2E. Last evaluated: 2024-02-25. Review status: criteria provided, single submitter. Criteria: Invitae Variant Classification Sherloc (09022015). Collection method: clinical testing. Allele origin: germline.
Comment: This sequence change replaces glutamic acid, which is acidic and polar, with aspartic acid, which is acidic and polar, at codon 201 of the NEFL protein (p.Glu201Asp). This variant is not present in population databases (gnomAD no frequency). This variant has not been reported in the literature in individuals affected with NEFL-related conditions. ClinVar contains an entry for this variant (Variation ID: 1384044). Advanced modeling of protein sequence and biophysical properties (such as structural, functional, and spatial information, amino acid conservation, physicochemical variation, residue mobility, and thermodynamic stability) performed at Invitae indicates that this missense variant is not expected to disrupt NEFL protein function with a negative predictive value of 80%. In summary, the available evidence is currently insufficient to determine the role of this variant in disease. Therefore, it has been classified as a Variant of Uncertain Significance.